The following is an entry in ClinVar:

NM_000179.3(MSH6):c.221G>T (p.Gly74Val)

Gene: MSH6 (mutS homolog 6; plus strand). Cytogenetic location: 2p16.3.
Variant type: single nucleotide variant.
Coding change: c.221G>T on transcript NM_000179.3 (MANE Select); coding-DNA position 221, G replaced by T.
Protein change: p.Gly74Val; replaces glycine 74 with valine.
Molecular consequence: missense variant. On other transcripts: 5 prime UTR variant (7), nonsense (1), non-coding transcript variant (5), intron variant (5).
Genome position (GRCh38, 1-based): chr2:47,783,454, G>T. VCF-style: chr2-47783454-G-T. GRCh37 (hg19) VCF-style: chr2-48010593-G-T.
Other names: c.221G>T, p.Gly74Val (NM_001281492.2, NM_001406795.1, NM_001406796.1 and 9 more transcripts); c.-516G>T (NM_001281493.2, NM_001406811.1); c.-108G>T (NM_001406799.1); c.166G>T, p.Glu56Ter (NM_001406804.1); c.-708G>T (NM_001406807.1); c.-363G>T (NM_001406812.1); c.-774G>T (NM_001406814.1); c.-319G>T (NM_001406816.1); and 3 more; short protein forms E56*, G74V.
Identifiers: ClinVar variation 2839800 (VCV002839800.3), dbSNP rs2103943045, ClinGen allele CA346735086.

ClinVar aggregate classification (germline): Uncertain significance (1 of 4 stars; one submission).

Conditions:
Hereditary nonpolyposis colorectal neoplasms. Identifiers: MedGen C0009405, MeSH D003123.

Submission:

Labcorp Genetics (formerly Invitae), Labcorp
Classification: Uncertain significance for Hereditary nonpolyposis colorectal neoplasms. Last evaluated: 2023-02-22. Review status: criteria provided, single submitter. Criteria: Invitae Variant Classification Sherloc (09022015). Collection method: clinical testing. Allele origin: germline.
Comment: In summary, the available evidence is currently insufficient to determine the role of this variant in disease. Therefore, it has been classified as a Variant of Uncertain Significance. Advanced modeling of protein sequence and biophysical properties (such as structural, functional, and spatial information, amino acid conservation, physicochemical variation, residue mobility, and thermodynamic stability) performed at Invitae indicates that this missense variant is not expected to disrupt MSH6 protein function. This variant has not been reported in the literature in individuals affected with MSH6-related conditions. This variant is not present in population databases (gnomAD no frequency). This sequence change replaces glycine, which is neutral and non-polar, with valine, which is neutral and non-polar, at codon 74 of the MSH6 protein (p.Gly74Val).